The following is an entry in ClinVar:

NM_001723.7(DST):c.5992A>T (p.Arg1998Trp)

Gene: DST (dystonin; minus strand). Cytogenetic location: 6p12.1.
Variant type: single nucleotide variant.
Coding change: c.5992A>T on transcript NM_001723.7 (MANE Plus Clinical); coding-DNA position 5992, A replaced by T.
Protein change: p.Arg1998Trp; replaces arginine 1998 with tryptophan.
Molecular consequence: missense variant. On other transcripts: intron variant (10).
Genome position (GRCh38, 1-based): chr6:56,618,042, T>A on the plus strand (A>T on the coding strand, the complement: DST is on the minus strand). VCF-style: chr6-56618042-T-A. GRCh37 (hg19) VCF-style: chr6-56482840-T-A.
Other names: c.4831-3558A>T (NM_001144769.5); c.4930-3558A>T (NM_001374722.1, NM_001374736.1); c.4957-3558A>T (NM_001374734.1); c.4417-3558A>T (NM_001144770.2); c.4297-3558A>T (NM_001374730.1, NM_001386100.1, NM_183380.4 and 1 more transcripts); c.3319-3558A>T (NM_015548.5); short protein forms R1998W.
Identifiers: ClinVar variation 3750713 (VCV003750713.2).

ClinVar aggregate classification (germline): Uncertain significance (1 of 4 stars; one submission).

Conditions:
Hereditary sensory and autonomic neuropathy type 6. Also called: HSAN VI; Neuropathy, hereditary sensory and autonomic, type VI. Identifiers: Orphanet 314381, MedGen C3539003, MONDO:0013839, OMIM 614653.
Epidermolysis bullosa simplex 3, localized or generalized intermediate, with BP230 deficiency (EBS3). Also called: Epidermolysis bullosa simplex, autosomal recessive 2; Epidermolysis bullosa simplex due to BP230 deficiency. Identifiers: Orphanet 412181, MedGen C3809470, MONDO:0014180, OMIM 615425.

gnomAD v4.1: 3 of 1,614,192 alleles (0.00019%); highest among the groups gnomAD compares: Non-Finnish European, 0.00025%; no homozygotes.

Submission:

Labcorp Genetics (formerly Invitae), Labcorp
Classification: Uncertain significance for Epidermolysis bullosa simplex 3, localized or generalized intermediate, with BP230 deficiency; Hereditary sensory and autonomic neuropathy type 6. Last evaluated: 2024-09-03. Review status: criteria provided, single submitter. Criteria: Invitae Variant Classification Sherloc (09022015). Collection method: clinical testing. Allele origin: germline.
Comment: This sequence change replaces arginine, which is basic and polar, with tryptophan, which is neutral and slightly polar, at codon 1998 of the DST protein (p.Arg1998Trp). This variant is present in population databases (no rsID available, gnomAD 0.0009%). This variant has not been reported in the literature in individuals affected with DST-related conditions. An algorithm developed to predict the effect of missense changes on protein structure and function (PolyPhen-2) suggests that this variant is likely to be tolerated. In summary, the available evidence is currently insufficient to determine the role of this variant in disease. Therefore, it has been classified as a Variant of Uncertain Significance.